The following is an entry in ClinVar:

NM_001184785.2(PARD3):c.2961A>G (p.Arg987=)

Gene: PARD3 (par-3 family cell polarity regulator; minus strand). Cytogenetic location: 10p11.21.
Variant type: single nucleotide variant.
Coding change: c.2961A>G on transcript NM_001184785.2 (MANE Select); coding-DNA position 2961, A replaced by G.
Protein change: p.Arg987=; no amino-acid change (arginine 987 retained).
Molecular consequence: synonymous variant.
Genome position (GRCh38, 1-based): chr10:34,317,211, T>C on the plus strand (A>G on the coding strand, the complement: PARD3 is on the minus strand). VCF-style: chr10-34317211-T-C. GRCh37 (hg19) VCF-style: chr10-34606139-T-C.
Other names: c.2922A>G, p.Arg974= (NM_001184786.2); c.2970A>G, p.Arg990= (NM_001184787.2, NM_019619.4); c.2832A>G, p.Arg944= (NM_001184788.2, NM_001184789.2, NM_001184794.2); c.2700A>G, p.Arg900= (NM_001184790.2); c.2745A>G, p.Arg915= (NM_001184791.2); c.2961A>G, p.Arg987= (NM_001184792.2); c.2868A>G, p.Arg956= (NM_001184793.2).
Identifiers: ClinVar variation 3058215 (VCV003058215.2), dbSNP rs751226132, ClinGen allele CA5467451.
Genomic context (GRCh38, chr10:34,317,211, plus strand): 5'-CATTTTATCCTTCTCCTTATCTCTATCTTTCTTCTTTTCTTTTCCAGTTTTATCCTTTTT[T>C]CTATCAGTCTTATCACCTTTCTCTTGGTTTCCATTCATTTGTCTCTCCAGAGAGTGGGAA-3'
Protein context (NP_001171714.1, residues 977-997): GNQEKGDKTD[Arg987=]KKDKTGKEKK

ClinVar aggregate classification (germline): Likely benign (0 of 4 stars; one submission).

Conditions:
PARD3-related disorder. Also called: PARD3-related condition.

Allele frequency attached by ClinVar (database versions not stated): ExAC 0.00012; gnomAD exomes 0.00012; gnomAD 0.00014; TOPMed 0.00014.
gnomAD v4.1: 194 of 1,613,942 alleles (0.012%); highest among the groups gnomAD compares: Middle Eastern, 0.23%; no homozygotes.

Submission:

PreventionGenetics, part of Exact Sciences
Classification: Likely benign for PARD3-related condition. Last evaluated: 2019-03-12. Review status: no assertion criteria provided. Collection method: clinical testing. Allele origin: germline.
Comment: This variant is classified as likely benign based on ACMG/AMP sequence variant interpretation guidelines (Richards et al. 2015 PMID: 25741868, with internal and published modifications).